The following is an entry in ClinVar:

ClinVar aggregate classification (germline): Uncertain significance (1 of 4 stars; one submission).

Conditions:
Hereditary cancer-predisposing syndrome. Also called: Hereditary neoplastic syndrome; Hereditary Cancer Syndrome; Neoplastic Syndromes, Hereditary; Tumor predisposition. Identifiers: Orphanet 140162, MedGen C0027672, MeSH D009386, MONDO:0015356.

Submission:

Ambry Genetics
Classification: Uncertain significance for Hereditary cancer-predisposing syndrome. Last evaluated: 2023-04-27. Review status: criteria provided, single submitter. Criteria: Ambry Variant Classification Scheme 2023. Collection method: clinical testing. Allele origin: germline.
Comment: The p.F527I variant (also known as c.1579T>A), located in coding exon 9 of the ATM gene, results from a T to A substitution at nucleotide position 1579. The phenylalanine at codon 527 is replaced by isoleucine, an amino acid with highly similar properties. This amino acid position is conserved. In addition, the in silico prediction for this alteration is inconclusive. Since supporting evidence is limited at this time, the clinical significance of this alteration remains unclear.

NM_000051.4(ATM):c.1579T>A (p.Phe527Ile)

Gene: ATM (ATM serine/threonine kinase; plus strand). Cytogenetic location: 11q22.3.
Variant type: single nucleotide variant.
Coding change: c.1579T>A on transcript NM_000051.4 (MANE Select); coding-DNA position 1579, T replaced by A.
Protein change: p.Phe527Ile; replaces phenylalanine 527 with isoleucine.
Molecular consequence: missense variant.
Genome position (GRCh38, 1-based): chr11:108,251,044, T>A. VCF-style: chr11-108251044-T-A. GRCh37 (hg19) VCF-style: chr11-108121771-T-A.
Other names: c.1579T>A, p.Phe527Ile (NM_001351834.2); short protein forms F527I.
Identifiers: ClinVar variation 2568202 (VCV002568202.2), dbSNP rs864622262, ClinGen allele CA382534399.